The following is an entry in ClinVar:

NM_002230.4(JUP):c.1355C>T (p.Thr452Met)

Gene: JUP (junction plakoglobin; minus strand). Cytogenetic location: 17q21.2.
Variant type: single nucleotide variant.
Coding change: c.1355C>T on transcript NM_002230.4 (MANE Select); coding-DNA position 1355, C replaced by T.
Protein change: p.Thr452Met; replaces threonine 452 with methionine.
Molecular consequence: missense variant.
Genome position (GRCh38, 1-based): chr17:41,763,125, G>A on the plus strand (C>T on the coding strand, the complement: JUP is on the minus strand). VCF-style: chr17-41763125-G-A. GRCh37 (hg19) VCF-style: chr17-39919377-G-A.
Other names: p.T452M:ACG>ATG; c.1355C>T, p.Thr452Met (NM_001352773.2, NM_001352774.2, NM_001352775.2 and 3 more transcripts); short protein forms T452M.
Identifiers: ClinVar variation 201824 (VCV000201824.15), dbSNP rs781888888, ClinGen allele CA308531.

ClinVar aggregate classification (germline): Uncertain significance. Review status: criteria provided, multiple submitters, no conflicts (2 of 4 stars). 5 submissions from 5 submitters: Uncertain significance (5). Last evaluated 2026-01-15.

Conditions:
Cardiovascular phenotype. Identifiers: MedGen CN230736.
Arrhythmogenic right ventricular dysplasia 12. Also called: ARRHYTHMOGENIC RIGHT VENTRICULAR DYSPLASIA, FAMILIAL, 12. Identifiers: MedGen C1969081, MONDO:0012684, OMIM 611528.
Naxos disease (NXD). Also called: WOOLLY HAIR, PALMOPLANTAR KERATODERMA, AND CARDIAC ABNORMALITIES; KERATOSIS PALMOPLANTARIS WITH ARRHYTHMOGENIC CARDIOMYOPATHY; MAL DE NAXOS; PALMOPLANTAR KERATODERMA WITH ARRHYTHMOGENIC RIGHT VENTRICULAR CARDIOMYOPATHY AND WOOLLY HAIR; CARDIOMYOPATHY, ARRHYTHMOGENIC RIGHT VENTRICULAR, WITH SKIN, HAIR, AND NAIL ABNORMALITIES. Identifiers: Orphanet 34217, MedGen C1832600, MONDO:0011017, OMIM 601214.

Allele frequency attached by ClinVar (database versions not stated): gnomAD 0.00001 and 0.00003; gnomAD exomes 0.00003 and 0.00006; TOPMed 0.00003; ExAC 0.00007.
gnomAD v4.1: 56 of 1,614,108 alleles (0.0035%); highest among the groups gnomAD compares: Middle Eastern, 0.033%; no homozygotes.

Submissions (5):

Labcorp Genetics (formerly Invitae), Labcorp
Classification: Uncertain significance for Arrhythmogenic right ventricular dysplasia 12; Naxos disease. Last evaluated: 2026-01-15. Review status: criteria provided, single submitter. Criteria: Invitae Variant Classification Sherloc (09022015). Collection method: clinical testing. Allele origin: germline.
Comment: This sequence change replaces threonine, which is neutral and polar, with methionine, which is neutral and non-polar, at codon 452 of the JUP protein (p.Thr452Met). This variant is present in population databases (rs781888888, gnomAD 0.01%). This missense change has been observed in individual(s) with arrhythmogenic cardiomyopathy (PMID: 30453078). ClinVar contains an entry for this variant (Variation ID: 201824). An algorithm developed to predict the effect of missense changes on protein structure and function (PolyPhen-2) suggests that this variant is likely to be disruptive. In summary, the available evidence is currently insufficient to determine the role of this variant in disease. Therefore, it has been classified as a Variant of Uncertain Significance.

Ambry Genetics
Classification: Uncertain significance for Cardiovascular phenotype. Last evaluated: 2025-10-08. Review status: criteria provided, single submitter. Criteria: Ambry Variant Classification Scheme 2023. Collection method: clinical testing. Allele origin: germline.
Comment: The p.T452M variant (also known as c.1355C>T), located in coding exon 7 of the JUP gene, results from a C to T substitution at nucleotide position 1355. The threonine at codon 452 is replaced by methionine, an amino acid with similar properties. This variant was reported in individual(s) with features consistent with arrhythmogenic right ventricular cardiomyopathy (ARVC) (Poloni G et al. Heart Rhythm, 2019 May;16:773-780). This amino acid position is highly conserved in available vertebrate species. In addition, this alteration is predicted to be deleterious by in silico analysis. Based on data from gnomAD, the frequency for this variant is above the maximum credible frequency for a disease-causing variant in this gene based on internally established thresholds (Karczewski et al. Nature. 2020 May;581(7809):434-443; Whiffin et al. Genet Med. 2017 10;19:1151-1158). Based on the available evidence, the clinical significance of this variant remains unclear for autosomal dominant JUP-related ARVC; however, it is unlikely to be causative of autosomal recessive Naxos disease.

Fulgent Genetics
Classification: Uncertain significance for Naxos disease; Arrhythmogenic right ventricular dysplasia 12. Last evaluated: 2021-11-09. Review status: criteria provided, single submitter. Criteria: ACMG Guidelines, 2015. Collection method: clinical testing. Allele origin: unknown.

GeneDx
Classification: Uncertain significance. Last evaluated: 2021-03-23. Review status: criteria provided, single submitter. Criteria: GeneDx Variant Classification Process June 2021. Collection method: clinical testing. Allele origin: germline. Affected: yes.
Comment: Identified in an individual with arrhythmogenic cardiomyopathy in the published literature, classified by authors as a variant of uncertain significance (Poloni et al., 2018); In silico analysis, which includes protein predictors and evolutionary conservation, supports a deleterious effect; This variant is associated with the following publications: (PMID: 30453078)

Blueprint Genetics
Classification: Uncertain significance. Last evaluated: 2020-04-27. Review status: criteria provided, single submitter. Criteria: ACMG Guidelines, 2015. Collection method: clinical testing. Allele origin: germline.

Literature cited by the submitters: PubMed 30453078 (cited by Labcorp Genetics (formerly Invitae), Labcorp and Ambry Genetics).